The following is an entry in ClinVar:

ClinVar aggregate classification (germline): Uncertain significance (1 of 4 stars; one submission).

Conditions:
Dystonia 16 (DYT16). Also called: DYT-PRKRA. Identifiers: Orphanet 210571, MedGen C2677567, MONDO:0012789, OMIM 612067.

Submission:

Labcorp Genetics (formerly Invitae), Labcorp
Classification: Uncertain significance for Dystonia 16. Last evaluated: 2022-04-01. Review status: criteria provided, single submitter. Criteria: Invitae Variant Classification Sherloc (09022015). Collection method: clinical testing. Allele origin: germline.
Comment: In summary, the available evidence is currently insufficient to determine the role of this variant in disease. Therefore, it has been classified as a Variant of Uncertain Significance. Algorithms developed to predict the effect of missense changes on protein structure and function (SIFT, PolyPhen-2, Align-GVGD) all suggest that this variant is likely to be tolerated. This variant has not been reported in the literature in individuals affected with PRKRA-related conditions. This variant is not present in population databases (gnomAD no frequency). This sequence change replaces serine, which is neutral and polar, with threonine, which is neutral and polar, at codon 193 of the PRKRA protein (p.Ser193Thr).

NM_003690.5(PRKRA):c.578G>C (p.Ser193Thr)

Gene: PRKRA (protein activator of interferon induced protein kinase EIF2AK2; minus strand). Cytogenetic location: 2q31.2.
Variant type: single nucleotide variant.
Coding change: c.578G>C on transcript NM_003690.5 (MANE Select); coding-DNA position 578, G replaced by C.
Protein change: p.Ser193Thr; replaces serine 193 with threonine.
Molecular consequence: missense variant.
Genome position (GRCh38, 1-based): chr2:178,441,641, C>G on the plus strand (G>C on the coding strand, the complement: PRKRA is on the minus strand). VCF-style: chr2-178441641-C-G. GRCh37 (hg19) VCF-style: chr2-179306368-C-G.
Other names: c.545G>C, p.Ser182Thr (NM_001139517.2); c.503G>C, p.Ser168Thr (NM_001139518.2); c.239G>C, p.Ser80Thr (NM_001316362.2); short protein forms S80T, S168T, S182T, S193T.
Identifiers: ClinVar variation 2120675 (VCV002120675.4), dbSNP rs758028975, ClinGen allele CA349403423.